The following is an entry in ClinVar:

ClinVar aggregate classification (germline): Uncertain significance. Review status: criteria provided, multiple submitters, no conflicts (2 of 4 stars). 3 submissions from 3 submitters: Uncertain significance (3). Last evaluated 2026-03-18.

Conditions:
Familial cancer of breast. Also called: hereditary breast carcinoma; Hereditary breast cancer; BREAST CANCER, FAMILIAL. Identifiers: Orphanet 227535, MedGen C0346153, MONDO:0016419, OMIM 114480. Disease mechanism: loss of function.
Hereditary cancer-predisposing syndrome. Also called: Tumor predisposition; Hereditary Cancer Syndrome; Neoplastic Syndromes, Hereditary; Hereditary neoplastic syndrome. Identifiers: Orphanet 140162, MedGen C0027672, MeSH D009386, MONDO:0015356.

Submissions (3):

Ambry Genetics
Classification: Uncertain significance for Hereditary cancer-predisposing syndrome. Last evaluated: 2026-03-18. Review status: criteria provided, single submitter. Criteria: Ambry Variant Classification Scheme 2023. Collection method: clinical testing. Allele origin: germline.
Comment: The p.S270R variant (also known as c.810C>A), located in coding exon 4 of the PALB2 gene, results from a C to A substitution at nucleotide position 810. The serine at codon 270 is replaced by arginine, an amino acid with dissimilar properties. This amino acid position is conserved. In addition, this alteration is predicted to be tolerated by in silico analysis. Based on the available evidence, the clinical significance of this variant remains unclear.

Color Diagnostics, LLC DBA Color Health
Classification: Uncertain significance for Hereditary cancer-predisposing syndrome. Last evaluated: 2023-12-05. Review status: criteria provided, single submitter. Criteria: ACMG Guidelines, 2015. Collection method: clinical testing. Allele origin: germline.
Comment: This missense variant replaces serine with arginine at codon 270 of the PALB2 protein. Computational prediction suggests that this variant may not impact protein structure and function (internally defined REVEL score threshold <= 0.5, PMID: 27666373). To our knowledge, functional studies have not been reported for this variant. This variant has not been reported in individuals affected with PALB2-related disorders in the literature. This variant has not been identified in the general population by the Genome Aggregation Database (gnomAD). The available evidence is insufficient to determine the role of this variant in disease conclusively. Therefore, this variant is classified as a Variant of Uncertain Significance.

Labcorp Genetics (formerly Invitae), Labcorp
Classification: Uncertain significance for Familial cancer of breast. Last evaluated: 2022-12-22. Review status: criteria provided, single submitter. Criteria: Invitae Variant Classification Sherloc (09022015). Collection method: clinical testing. Allele origin: germline.
Comment: This sequence change replaces serine, which is neutral and polar, with arginine, which is basic and polar, at codon 270 of the PALB2 protein (p.Ser270Arg). This variant is not present in population databases (gnomAD no frequency). This variant has not been reported in the literature in individuals affected with PALB2-related conditions. ClinVar contains an entry for this variant (Variation ID: 628876). Algorithms developed to predict the effect of missense changes on protein structure and function (SIFT, PolyPhen-2, Align-GVGD) all suggest that this variant is likely to be tolerated. In summary, the available evidence is currently insufficient to determine the role of this variant in disease. Therefore, it has been classified as a Variant of Uncertain Significance.

NM_024675.4(PALB2):c.810C>A (p.Ser270Arg)

Gene: PALB2 (partner and localizer of BRCA2; minus strand). Cytogenetic location: 16p12.2.
Variant type: single nucleotide variant.
Coding change: c.810C>A on transcript NM_024675.4 (MANE Select); coding-DNA position 810, C replaced by A.
Protein change: p.Ser270Arg; replaces serine 270 with arginine.
Molecular consequence: missense variant.
Genome position (GRCh38, 1-based): chr16:23,635,736, G>T on the plus strand (C>A on the coding strand, the complement: PALB2 is on the minus strand). VCF-style: chr16-23635736-G-T. GRCh37 (hg19) VCF-style: chr16-23647057-G-T.
Other names: short protein forms S270R.
Identifiers: ClinVar variation 628876 (VCV000628876.12), dbSNP rs1567222286, ClinGen allele CA395135995.